The following is an entry in ClinVar:

NM_020911.2(PLXNA4):c.1371+4354A>G

Gene: PLXNA4 (plexin A4; minus strand). Cytogenetic location: 7q32.3.
Variant type: single nucleotide variant.
Coding change: c.1371+4354A>G on transcript NM_020911.2 (MANE Select); 4354 bases into the intron after coding-DNA position 1371, A replaced by G.
Molecular consequence: intron variant. On other transcripts: missense variant (1).
Genome position (GRCh38, 1-based): chr7:132,484,938, T>C on the plus strand (A>G on the coding strand, the complement: PLXNA4 is on the minus strand). VCF-style: chr7-132484938-T-C. GRCh37 (hg19) VCF-style: chr7-132169697-T-C.
Other names: c.1447A>G, p.Ile483Val (NM_181775.4); c.1371+4354A>G (NM_001393897.1, NM_001105543.2); short protein forms I483V.
Identifiers: ClinVar variation 5001036 (VCV005001036.1).

ClinVar aggregate classification (germline): Uncertain significance (1 of 4 stars; one submission).

Conditions:
PLXNA4-related disorder. Also called: PLXNA4-related condition.

gnomAD v4.1: 3 of 1,614,158 alleles (0.00019%); highest among the groups gnomAD compares: Non-Finnish European, 0.00025%; no homozygotes.

Submission:

PreventionGenetics, part of Exact Sciences
Classification: Uncertain significance for PLXNA4-related condition. Last evaluated: 2025-08-18. Review status: criteria provided, single submitter. Criteria: ACMG Guidelines, 2015. Collection method: clinical testing. Allele origin: germline.
Comment: The PLXNA4 c.1447A>G variant is predicted to result in the amino acid substitution p.Ile483Val. In an alternative transcript (NM_181775) this variant is described as c.1447A>G, which is predicted to result in the amino acid substitution p.Ile483Val. To our knowledge, this variant has not been reported in the literature or in a large population database (gnomAD), indicating this variant is rare. At this time, the clinical significance of this variant is uncertain due to the absence of conclusive functional and genetic evidence.